The following is an entry in ClinVar:

ClinVar aggregate classification (germline): Benign/Likely benign. Review status: criteria provided, multiple submitters, no conflicts (2 of 4 stars). 7 submissions from 7 submitters: Benign (5); Likely benign (2). Last evaluated 2026-01-26.

Conditions:
TTBK2-related disorder. Also called: TTBK2-related condition.
Spinocerebellar ataxia type 11 (SCA11). Identifiers: Orphanet 98767, MedGen C1858351, MONDO:0011464, OMIM 604432.

Allele frequency attached by ClinVar (database versions not stated): gnomAD exomes 0.00117 and 0.00282; ExAC 0.00346; gnomAD 0.01109 and 0.01170; ESP Exome Variant Server 0.01156; TOPMed 0.01214; 1000 Genomes Project 30x 0.01437; 1000 Genomes Project 0.01438.
gnomAD v4.1: 3,504 of 1,614,136 alleles (0.22%); highest among the groups gnomAD compares: African/African-American, 3.9%; 49 homozygotes.

Submissions (7):

Labcorp Genetics (formerly Invitae), Labcorp
Classification: Benign. Last evaluated: 2026-01-26. Review status: criteria provided, single submitter. Criteria: Invitae Variant Classification Sherloc (09022015). Collection method: clinical testing. Allele origin: germline.

PreventionGenetics, part of Exact Sciences
Classification: Benign for TTBK2-related condition. Last evaluated: 2025-11-18. Review status: criteria provided, single submitter. Criteria: ACMG Guidelines, 2015. Collection method: clinical testing. Allele origin: germline.
Comment: This variant is classified as benign based on ACMG/AMP sequence variant interpretation guidelines (Richards et al. 2015 PMID: 25741868, with internal and published modifications).

Mayo Clinic Laboratories, Mayo Clinic
Classification: Benign. Last evaluated: 2024-07-23. Review status: criteria provided, single submitter. Criteria: ACMG Guidelines, 2015. Collection method: clinical testing. Allele origin: germline. Observed: 4 variant alleles.
Comment: BA1, BS2, BP4, BP7

Athena Diagnostics
Classification: Benign. Last evaluated: 2024-03-15. Review status: criteria provided, single submitter. Criteria: Athena Diagnostics Criteria. Collection method: clinical testing. Allele origin: unknown.

GeneDx
Classification: Likely benign. Last evaluated: 2021-12-03. Review status: criteria provided, single submitter. Criteria: GeneDx Variant Classification Process June 2021. Collection method: clinical testing. Allele origin: germline. Affected: yes.
Comment: See Variant Classification Assertion Criteria.

Illumina Laboratory Services, Illumina
Classification: Benign for Spinocerebellar ataxia type 11. Last evaluated: 2018-01-13. Review status: criteria provided, single submitter. Criteria: ICSL Variant Classification Criteria 13 December 2019. Collection method: clinical testing. Allele origin: germline.
Comment: This variant was observed in the ICSL laboratory as part of a predisposition screen in an ostensibly healthy population. It had not been previously curated by ICSL or reported in the Human Gene Mutation Database (HGMD: prior to June 1st, 2018), and was therefore a candidate for classification through an automated scoring system. Utilizing variant allele frequency, disease prevalence and penetrance estimates, and inheritance mode, an automated score was calculated to assess if this variant is too frequent to cause the disease. Based on the score and internal cut-off values, a variant classified as benign is not then subjected to further curation. The score for this variant resulted in a classification of benign for this disease.

Breakthrough Genomics
Classification: Likely benign. Review status: criteria provided, single submitter. Criteria: ACMG Guidelines, 2015. Collection method: not provided. Allele origin: germline. Inheritance: Autosomal dominant inheritance. Affected: yes.

NM_173500.4(TTBK2):c.3669C>T (p.His1223=)

Gene: TTBK2 (tau tubulin kinase 2; minus strand). Cytogenetic location: 15q15.2.
Variant type: single nucleotide variant.
Coding change: c.3669C>T on transcript NM_173500.4 (MANE Select); coding-DNA position 3669, C replaced by T.
Protein change: p.His1223=; no amino-acid change (histidine 1223 retained).
Molecular consequence: synonymous variant.
Genome position (GRCh38, 1-based): chr15:42,745,861, G>A on the plus strand (C>T on the coding strand, the complement: TTBK2 is on the minus strand). VCF-style: chr15-42745861-G-A. GRCh37 (hg19) VCF-style: chr15-43038059-G-A.
Other names: p.His1223=.
Identifiers: ClinVar variation 315974 (VCV000315974.19), dbSNP rs74398902, ClinGen allele CA7516527.